The following is an entry in ClinVar:

ClinVar aggregate classification (germline): Uncertain significance (1 of 4 stars; one submission).

Conditions:
Pigmentary skin disorders.

gnomAD v4.1: 2 of 1,613,840 alleles (0.00012%); highest among the groups gnomAD compares: African/African-American, 0.0027%; no homozygotes.

Submission:

Genetics Laboratory, Great Ormond Street Hospital NHS Foundation Trust, North Thames Genomic Laboratory Hub
Classification: Uncertain significance for Pigmentary skin disorders. Last evaluated: 2026-07-30. Review status: criteria provided, single submitter. Criteria: ACGS Best Practice Guidelines for Variant Classification in Rare Disease 2024 v1.2. Collection method: clinical testing. Allele origin: germline. Affected: yes.
Comment: PM2_moderate, PP3_supporting, PP2_supporting

NM_001382347.1(MYO5A):c.601C>T (p.Pro201Ser)

Gene: MYO5A (myosin VA; minus strand). Cytogenetic location: 15q21.2.
Variant type: single nucleotide variant.
Coding change: c.601C>T on transcript NM_001382347.1 (MANE Select); coding-DNA position 601, C replaced by T.
Protein change: p.Pro201Ser; replaces proline 201 with serine.
Molecular consequence: missense variant.
Genome position (GRCh38, 1-based): chr15:52,416,156, G>A on the plus strand (C>T on the coding strand, the complement: MYO5A is on the minus strand). VCF-style: chr15-52416156-G-A. GRCh37 (hg19) VCF-style: chr15-52708353-G-A.
Other names: c.601C>T, p.Pro201Ser (NM_000259.3, NM_001142495.2, NM_001411135.1); c.673C>T, p.Pro225Ser (NM_001382348.1, NM_001382349.1); short protein forms P201S, P225S.
Identifiers: ClinVar variation 4976954 (VCV004976954.1).
Genomic context (GRCh38, chr15:52,416,156, plus strand): 5'-TTTCTTATCAAGAGAATATAGGAAGAAAGCCGAAGACTCGCTGTCTTACCTCCATGATGG[G>A]GTTGGAGGCCAAGACCTTTTCCTCCACATTGGCCTCACTGGCAGAACCACTCACAGTTGC-3'
Protein context (NP_001369276.1, residues 191-211): NVEEKVLASN[Pro201Ser]IMESIGNAKT